The following is an entry in ClinVar:

NM_001267550.2(TTN):c.70250T>C (p.Ile23417Thr)

Genes: TTN (titin; minus strand), TTN-AS1 (TTN antisense RNA 1; plus strand), LOC126806422 (BRD4-independent group 4 enhancer GRCh37_chr2:179440205-179441404; plus strand). Cytogenetic location: 2q31.2.
Variant type: single nucleotide variant.
Coding change: c.70250T>C on transcript NM_001267550.2 (MANE Select); coding-DNA position 70250, T replaced by C.
Protein change: p.Ile23417Thr; replaces isoleucine 23417 with threonine.
Molecular consequence: missense variant.
Genome position (GRCh38, 1-based): chr2:178,575,882, A>G on the plus strand (T>C on the coding strand, the complement: TTN is on the minus strand). VCF-style: chr2-178575882-A-G. GRCh37 (hg19) VCF-style: chr2-179440609-A-G.
Other names: p.I21776T:ATT>ACT; c.43430T>C, p.Ile14477Thr (NM_133432.3); c.43631T>C, p.Ile14544Thr (NM_133437.4); c.43055T>C, p.Ile14352Thr (NM_003319.4); c.62546T>C, p.Ile20849Thr (NM_133378.4); c.65327T>C, p.Ile21776Thr (NM_001256850.1); short protein forms I20849T, I23417T, I21776T, I14352T, I14544T, I14477T.
Identifiers: ClinVar variation 178192 (VCV000178192.34), dbSNP rs201836227, ClinGen allele CA181727.

ClinVar aggregate classification (germline): Benign/Likely benign. Review status: criteria provided, multiple submitters, no conflicts (2 of 4 stars). 16 submissions from 13 submitters: Benign (7); Likely benign (6). 3 of the submissions do not count toward it. Last evaluated 2026-02-01.

Conditions:
Cardiovascular phenotype. Identifiers: MedGen CN230736.
TTN-related disorder. Also called: TTN-related condition; TTN-related disease; TTN-related disorders.
Dilated cardiomyopathy 1G (CMD1G). Identifiers: Orphanet 154, MedGen C1858763, MONDO:0011400, OMIM 604145.
Autosomal recessive limb-girdle muscular dystrophy type 2J (LGMDR10). Also called: Limb-girdle muscular dystrophy, type 2J; MUSCULAR DYSTROPHY, LIMB-GIRDLE, AUTOSOMAL RECESSIVE 10. Identifiers: Orphanet 140922, MedGen C1837342, MONDO:0012127, OMIM 608807.
Myopathy, myofibrillar, 9, with early respiratory failure (MFM9). Also called: MYOPATHY, PROXIMAL, WITH EARLY RESPIRATORY MUSCLE INVOLVEMENT; Hereditary myopathy with early respiratory failure; Myopathy, distal, with early respiratory failure, autosomal dominant; EDSTROM MYOPATHY. Identifiers: Orphanet 34521, MedGen C1863599, MONDO:0011362, OMIM 603689, Orphanet 178464.
Early-onset myopathy with fatal cardiomyopathy (CMYO5). Also called: Salih Myopathy; CONGENITAL MYOPATHY 5 WITH CARDIOMYOPATHY. Identifiers: Orphanet 289377, MedGen C2673677, MONDO:0012714, OMIM 611705. Disease mechanism: loss of function.
Tibial muscular dystrophy (TMD). Also called: Udd Distal Myopathy – Tibial Muscular Dystrophy; UDD MYOPATHY; Tibial muscular dystrophy, tardive. Identifiers: Orphanet 609, MedGen C1838244, MONDO:0010870, OMIM 600334.

Allele frequency attached by ClinVar (database versions not stated): gnomAD exomes 0.00010 and 0.00022; ExAC 0.00030; 1000 Genomes Project 0.00040; 1000 Genomes Project 30x 0.00047; gnomAD 0.00076 and 0.00086; TOPMed 0.00099; ESP Exome Variant Server 0.00106.
gnomAD v4.1: 256 of 1,613,504 alleles (0.016%); highest among the groups gnomAD compares: African/African-American, 0.3%; no homozygotes.

Submissions (16):

Labcorp Genetics (formerly Invitae), Labcorp
Classification: Likely benign for Dilated cardiomyopathy 1G; Autosomal recessive limb-girdle muscular dystrophy type 2J. Last evaluated: 2026-02-01. Review status: criteria provided, single submitter. Criteria: Invitae Variant Classification Sherloc (09022015). Collection method: clinical testing. Allele origin: germline.

Molecular Diagnostic Laboratory for Inherited Cardiovascular Disease, Montreal Heart Institute
Classification: Likely benign. Last evaluated: 2025-04-09. Review status: criteria provided, single submitter. Criteria: ACMG Guidelines, 2015. Collection method: clinical testing. Allele origin: germline. Affected: no.

Blueprint Genetics
Classification: Likely benign. Last evaluated: 2024-02-20. Review status: criteria provided, single submitter. Criteria: ACMG Guidelines, 2015. Collection method: clinical testing. Allele origin: germline.

Women's Health and Genetics/Laboratory Corporation of America, LabCorp
Classification: Benign. Last evaluated: 2022-03-07. Review status: criteria provided, single submitter. Criteria: LabCorp Variant Classification Summary - May 2015. Collection method: clinical testing. Allele origin: germline.
Comment: Variant summary: TTN c.62546T>C (p.Ile20849Thr) results in a non-conservative amino acid change located in the A-band region of the encoded protein sequence. Three of five in-silico tools predict a damaging effect of the variant on protein function. The variant allele was found at a frequency of 0.00022 in 248832 control chromosomes (gnomAD), predominantly at a frequency of 0.0032 within the African or African-American subpopulation in the gnomAD database. The observed variant frequency within African or African-American control individuals in the gnomAD database is approximately 8 fold of the estimated maximal expected allele frequency for a pathogenic variant in TTN causing Dilated Cardiomyopathy phenotype (0.00039), strongly suggesting that the variant is a benign polymorphism found primarily in populations of African or African-American origin. To our knowledge, no occurrence of c.62546T>C in individuals affected with Dilated Cardiomyopathy and no experimental evidence demonstrating its impact on protein function have been reported. Seven ClinVar submitters have assessed the variant since 2014: four have classified the variant as likely benign and three as benign. Based on the evidence outlined above, the variant was classified as benign.

Genome-Nilou Lab
Classification: Benign for Autosomal recessive limb-girdle muscular dystrophy type 2J. Last evaluated: 2021-09-10. Review status: criteria provided, single submitter. Criteria: ACMG Guidelines, 2015. Collection method: clinical testing. Allele origin: germline. Affected: no.

Genome-Nilou Lab
Classification: Benign for Myopathy, myofibrillar, 9, with early respiratory failure. Last evaluated: 2021-09-10. Review status: criteria provided, single submitter. Criteria: ACMG Guidelines, 2015. Collection method: clinical testing. Allele origin: germline. Affected: no.

Genome-Nilou Lab
Classification: Benign for Early-onset myopathy with fatal cardiomyopathy. Last evaluated: 2021-09-10. Review status: criteria provided, single submitter. Criteria: ACMG Guidelines, 2015. Collection method: clinical testing. Allele origin: germline. Affected: no.

Genome-Nilou Lab
Classification: Benign for Tibial muscular dystrophy. Last evaluated: 2021-09-10. Review status: criteria provided, single submitter. Criteria: ACMG Guidelines, 2015. Collection method: clinical testing. Allele origin: germline. Affected: no.

GeneDx
Classification: Likely benign. Last evaluated: 2020-06-30. Review status: criteria provided, single submitter. Criteria: GeneDx Variant Classification Process June 2021. Collection method: clinical testing. Allele origin: germline. Affected: yes.
Comment: This variant is associated with the following publications: (PMID: 30924900)

Athena Diagnostics
Classification: Benign. Last evaluated: 2019-10-28. Review status: criteria provided, single submitter. Criteria: Athena Diagnostics Criteria. Collection method: clinical testing. Allele origin: unknown.

Ambry Genetics
Classification: Likely benign for Cardiovascular phenotype. Last evaluated: 2018-12-26. Review status: criteria provided, single submitter. Criteria: Ambry Variant Classification Scheme 2023. Collection method: clinical testing. Allele origin: germline.

Laboratory for Molecular Medicine, Mass General Brigham Personalized Medicine
Classification: Benign. Last evaluated: 2017-10-23. Review status: criteria provided, single submitter. Criteria: LMM Criteria. Collection method: clinical testing. Allele origin: germline. Observed: 3 variant alleles.
Comment: p.Ile20849Thr in exon 275 of TTN: This variant is not expected to have clinical significance because it has been identified in 0.3% (82/23988) of African chromo somes by the Genome Aggregation Database (gnomAD, rg; dbSNP rs201836227). ACMG/AMP Criteria applied: BA1 (Richards 2015).

Eurofins Ntd Llc (ga)
Classification: Likely benign. Last evaluated: 2016-06-14. Review status: criteria provided, single submitter. Criteria: EGL Classification Definitions 2015. Collection method: clinical testing. Allele origin: germline. Observed: 2 variant alleles, 2 heterozygotes.

PreventionGenetics, part of Exact Sciences
Classification: Likely benign for TTN-related condition. Last evaluated: 2022-03-28. Review status: no assertion criteria provided. Collection method: clinical testing. Allele origin: germline. Not counted in ClinVar's aggregate classification.
Comment: This variant is classified as likely benign based on ACMG/AMP sequence variant interpretation guidelines (Richards et al. 2015 PMID: 25741868, with internal and published modifications).

Clinical Genetics DNA and cytogenetics Diagnostics Lab, Erasmus MC, Erasmus Medical Center
Classification: Likely benign. Review status: no assertion criteria provided. Collection method: clinical testing. Allele origin: germline. Affected: yes. Study: VKGL Data-share Consensus. Not counted in ClinVar's aggregate classification.

Clinical Genetics, Academic Medical Center
Classification: Benign. Review status: no assertion criteria provided. Collection method: clinical testing. Allele origin: germline. Affected: yes. Study: VKGL Data-share Consensus. Not counted in ClinVar's aggregate classification.